The following is an entry in ClinVar:

ClinVar aggregate classification (germline): Uncertain significance (1 of 4 stars; one submission).

Conditions:
Intellectual developmental disorder, autosomal dominant 1. Also called: MBD5 Haploinsufficiency; Intellectual disability, autosomal dominant 1. Identifiers: Orphanet 228402, MedGen C1969562, MONDO:0007974, OMIM 156200.

gnomAD v4.1: 1 of 1,613,864 alleles (0.000062%); no homozygotes.

Submission:

Labcorp Genetics (formerly Invitae), Labcorp
Classification: Uncertain significance for Intellectual developmental disorder, autosomal dominant 1. Last evaluated: 2024-03-30. Review status: criteria provided, single submitter. Criteria: Invitae Variant Classification Sherloc (09022015). Collection method: clinical testing. Allele origin: germline.
Comment: This sequence change replaces methionine, which is neutral and non-polar, with isoleucine, which is neutral and non-polar, at codon 446 of the MBD5 protein (p.Met446Ile). This variant is not present in population databases (gnomAD no frequency). This variant has not been reported in the literature in individuals affected with MBD5-related conditions. Advanced modeling of protein sequence and biophysical properties (such as structural, functional, and spatial information, amino acid conservation, physicochemical variation, residue mobility, and thermodynamic stability) performed at Invitae indicates that this missense variant is not expected to disrupt MBD5 protein function with a negative predictive value of 80%. In summary, the available evidence is currently insufficient to determine the role of this variant in disease. Therefore, it has been classified as a Variant of Uncertain Significance.

NM_001378120.1(MBD5):c.1338G>A (p.Met446Ile)

Gene: MBD5 (methyl-CpG binding domain protein 5; plus strand). Cytogenetic location: 2q23.1.
Variant type: single nucleotide variant.
Coding change: c.1338G>A on transcript NM_001378120.1 (MANE Select); coding-DNA position 1338, G replaced by A.
Protein change: p.Met446Ile; replaces methionine 446 with isoleucine.
Molecular consequence: missense variant.
Genome position (GRCh38, 1-based): chr2:148,469,281, G>A. VCF-style: chr2-148469281-G-A. GRCh37 (hg19) VCF-style: chr2-149226850-G-A.
Other names: c.1338G>A, p.Met446Ile (NM_018328.5); short protein forms M446I.
Identifiers: ClinVar variation 3684356 (VCV003684356.2).